The following is an entry in ClinVar:

NM_020433.5(JPH2):c.220A>G (p.Ile74Val)

Gene: JPH2 (junctophilin 2; minus strand). Cytogenetic location: 20q13.12.
Variant type: single nucleotide variant.
Coding change: c.220A>G on transcript NM_020433.5 (MANE Select); coding-DNA position 220, A replaced by G.
Protein change: p.Ile74Val; replaces isoleucine 74 with valine.
Molecular consequence: missense variant.
Genome position (GRCh38, 1-based): chr20:44,186,486, T>C on the plus strand (A>G on the coding strand, the complement: JPH2 is on the minus strand). VCF-style: chr20-44186486-T-C. GRCh37 (hg19) VCF-style: chr20-42815126-T-C.
Other names: c.220A>G, p.Ile74Val (NM_175913.4); short protein forms I74V.
Identifiers: ClinVar variation 843198 (VCV000843198.11), dbSNP rs1197530646, ClinGen allele CA409095269.

ClinVar aggregate classification (germline): Conflicting classifications of pathogenicity. Review status: criteria provided, conflicting classifications (1 of 4 stars). 3 submissions from 3 submitters: Uncertain significance (1); Likely benign (2). Last evaluated 2025-05-18.

Conditions:
Cardiovascular phenotype. Identifiers: MedGen CN230736.
Hypertrophic cardiomyopathy. Also called: HYPERTROPHIC MYOCARDIOPATHY. Identifiers: Orphanet 217569, MedGen C0007194, MeSH D002312, MONDO:0005045, HP:0001639.

Allele frequency attached by ClinVar (database versions not stated): gnomAD exomes below 0.00001 and 0.00001; gnomAD 0.00001; TOPMed 0.00002.
gnomAD v4.1: 22 of 1,614,050 alleles (0.0014%); highest among the groups gnomAD compares: Non-Finnish European, 0.0018%; no homozygotes.

Submissions (3):

Labcorp Genetics (formerly Invitae), Labcorp
Classification: Uncertain significance for Hypertrophic cardiomyopathy. Last evaluated: 2025-05-18. Review status: criteria provided, single submitter. Criteria: Invitae Variant Classification Sherloc (09022015). Collection method: clinical testing. Allele origin: germline.
Comment: This sequence change replaces isoleucine, which is neutral and non-polar, with valine, which is neutral and non-polar, at codon 74 of the JPH2 protein (p.Ile74Val). This variant is present in population databases (no rsID available, gnomAD 0.007%). This variant has not been reported in the literature in individuals affected with JPH2-related conditions. ClinVar contains an entry for this variant (Variation ID: 843198). An algorithm developed to predict the effect of missense changes on protein structure and function outputs the following: PolyPhen-2: "Benign". The valine amino acid residue is found in multiple mammalian species, which suggests that this missense change does not adversely affect protein function. In summary, the available evidence is currently insufficient to determine the role of this variant in disease. Therefore, it has been classified as a Variant of Uncertain Significance.

Ambry Genetics
Classification: Likely benign for Cardiovascular phenotype. Last evaluated: 2025-04-07. Review status: criteria provided, single submitter. Criteria: Ambry Variant Classification Scheme 2023. Collection method: clinical testing. Allele origin: germline.

Blueprint Genetics
Classification: Likely benign. Last evaluated: 2021-04-21. Review status: criteria provided, single submitter. Criteria: ACMG Guidelines, 2015. Collection method: clinical testing. Allele origin: germline.